The following is an entry in ClinVar:

ClinVar aggregate classification (germline): Uncertain significance. Review status: criteria provided, multiple submitters, no conflicts (2 of 4 stars). 2 submissions from 2 submitters: Uncertain significance (2). Last evaluated 2024-11-12.

Submissions (2):

Labcorp Genetics (formerly Invitae), Labcorp
Classification: Uncertain significance. Last evaluated: 2024-11-12. Review status: criteria provided, single submitter. Criteria: Invitae Variant Classification Sherloc (09022015). Collection method: clinical testing. Allele origin: germline.
Comment: This sequence change replaces valine, which is neutral and non-polar, with alanine, which is neutral and non-polar, at codon 101 of the GUCA1A protein (p.Val101Ala). This variant is not present in population databases (gnomAD no frequency). This variant has not been reported in the literature in individuals affected with GUCA1A-related conditions. An algorithm developed to predict the effect of missense changes on protein structure and function (PolyPhen-2) suggests that this variant is likely to be disruptive. In summary, the available evidence is currently insufficient to determine the role of this variant in disease. Therefore, it has been classified as a Variant of Uncertain Significance.

Blueprint Genetics
Classification: Uncertain significance. Last evaluated: 2022-04-12. Review status: criteria provided, single submitter. Criteria: ACMG Guidelines, 2015. Collection method: clinical testing. Allele origin: germline.

NM_001384910.1(GUCA1A):c.302T>C (p.Val101Ala)

Genes: GUCA1A (guanylate cyclase activator 1A; plus strand), GUCA1ANB-GUCA1A (GUCA1ANB-GUCA1A readthrough; plus strand). Cytogenetic location: 6p21.1.
Variant type: single nucleotide variant.
Coding change: c.302T>C on transcript NM_001384910.1 (MANE Select); coding-DNA position 302, T replaced by C.
Protein change: p.Val101Ala; replaces valine 101 with alanine.
Molecular consequence: missense variant.
Genome position (GRCh38, 1-based): chr6:42,178,380, T>C. VCF-style: chr6-42178380-T-C. GRCh37 (hg19) VCF-style: chr6-42146118-T-C.
Other names: c.302T>C, p.Val101Ala (NM_000409.5, NM_001319061.2, NM_001319062.2); short protein forms V101A.
Identifiers: ClinVar variation 3672761 (VCV003672761.3).